The following is an entry in ClinVar:

NM_001377299.1(NDUFS2):c.59C>T (p.Pro20Leu)

Genes: NDUFS2 (NADH:ubiquinone oxidoreductase core subunit S2; plus strand), LOC129931761 (ATAC-STARR-seq lymphoblastoid active region 1985; plus strand). Cytogenetic location: 1q23.3.
Variant type: single nucleotide variant.
Coding change: c.59C>T on transcript NM_001377299.1 (MANE Select); coding-DNA position 59, C replaced by T.
Protein change: p.Pro20Leu; replaces proline 20 with leucine.
Molecular consequence: missense variant. On other transcripts: non-coding transcript variant (1).
Genome position (GRCh38, 1-based): chr1:161,202,444, C>T. VCF-style: chr1-161202444-C-T. GRCh37 (hg19) VCF-style: chr1-161172234-C-T.
Other names: c.59C>T (NM_004550.4); c.59C>T, p.Pro20Leu (NM_001166159.2, NM_001377298.1, NM_001377300.1 and 4 more transcripts); short protein forms P20L.
Identifiers: ClinVar variation 2136289 (VCV002136289.5), dbSNP rs780630195, ClinGen allele CA1208459.

ClinVar aggregate classification (germline): Uncertain significance. Review status: criteria provided, multiple submitters, no conflicts (2 of 4 stars). 3 submissions from 3 submitters: Uncertain significance (3). Last evaluated 2026-01-07.

Conditions:
Mitochondrial complex I deficiency, nuclear type 6. Also called: Mitochondrial complex 1 deficiency, nuclear type 6. Identifiers: MedGen C4748759, MONDO:0032611, OMIM 618228.

Allele frequency attached by ClinVar (database versions not stated): TOPMed 0.00002; gnomAD exomes 0.00003; ExAC 0.00006; gnomAD 0.00003.
gnomAD v4.1: 55 of 1,612,526 alleles (0.0034%); highest among the groups gnomAD compares: Middle Eastern, 0.13%; no homozygotes.

Submissions (3):

GeneDx
Classification: Uncertain significance. Last evaluated: 2026-01-07. Review status: criteria provided, single submitter. Criteria: GeneDx Variant Classification Process June 2021. Collection method: clinical testing. Allele origin: germline. Affected: yes.
Comment: Not observed at significant frequency in large population cohorts (gnomAD); In silico analysis suggests that this missense variant does not alter protein structure/function; Has not been previously published as pathogenic or benign to our knowledge

Genome-Nilou Lab
Classification: Uncertain significance for Mitochondrial complex I deficiency, nuclear type 6. Last evaluated: 2023-04-11. Review status: criteria provided, single submitter. Criteria: ACMG Guidelines, 2015. Collection method: clinical testing. Allele origin: germline. Affected: no.

Labcorp Genetics (formerly Invitae), Labcorp
Classification: Uncertain significance. Last evaluated: 2022-07-02. Review status: criteria provided, single submitter. Criteria: Invitae Variant Classification Sherloc (09022015). Collection method: clinical testing. Allele origin: germline.
Comment: This sequence change replaces proline, which is neutral and non-polar, with leucine, which is neutral and non-polar, at codon 20 of the NDUFS2 protein (p.Pro20Leu). This variant is present in population databases (rs780630195, gnomAD 0.01%). This variant has not been reported in the literature in individuals affected with NDUFS2-related conditions. Algorithms developed to predict the effect of missense changes on protein structure and function (SIFT, PolyPhen-2, Align-GVGD) all suggest that this variant is likely to be tolerated. In summary, the available evidence is currently insufficient to determine the role of this variant in disease. Therefore, it has been classified as a Variant of Uncertain Significance.